The following is an entry in ClinVar:

ClinVar aggregate classification (germline): Conflicting classifications of pathogenicity. Review status: criteria provided, conflicting classifications (1 of 4 stars). 7 submissions from 7 submitters: Uncertain significance (1); Likely benign (6). Last evaluated 2025-03-01.

Conditions:
Familial thoracic aortic aneurysm and aortic dissection (TAAD). Also called: Thoracic aortic aneurysms and dissections. Identifiers: Orphanet 91387, MedGen C4707243, MONDO:0019625.
Aortic aneurysm, familial thoracic 4 (AAT4). Also called: AORTIC ANEURYSM/AORTIC DISSECTION AND PATENT DUCTUS ARTERIOSUS. Identifiers: MedGen C1851504, MONDO:0007568, OMIM 132900.

Allele frequency attached by ClinVar (database versions not stated): gnomAD 0.00001; gnomAD exomes 0.00001 and 0.00002; TOPMed 0.00001; ExAC 0.00002; ESP Exome Variant Server 0.00008; 1000 Genomes Project 30x 0.00016; 1000 Genomes Project 0.00020.
gnomAD v4.1: 14 of 1,613,994 alleles (0.00087%); highest among the groups gnomAD compares: African/African-American, 0.0013%; no homozygotes.

Submissions (7):

CeGaT Center for Human Genetics Tuebingen
Classification: Likely benign. Last evaluated: 2025-03-01. Review status: criteria provided, single submitter. Criteria: CeGaT Center For Human Genetics Tuebingen Variant Classification Criteria Version 2. Collection method: clinical testing. Allele origin: germline. Affected: yes. Observed: 1 variant allele.
Comment: MYH11: BP4, BP7

All of Us Research Program, National Institutes of Health
Classification: Likely benign for Familial thoracic aortic aneurysm and aortic dissection. Last evaluated: 2024-06-09. Review status: criteria provided, single submitter. Criteria: ACMG Guidelines, 2015. Collection method: clinical testing. Allele origin: germline. Inheritance: Autosomal dominant inheritance. Observed: 7 variant alleles, 7 heterozygotes.
Comment: This study involves interpretation of variants in research participants for the purpose of population health screening. Participant phenotype was not available at the time of variant classification. Additional details can be found in publication PMID: 35346344, PMCID: PMC8962531

Labcorp Genetics (formerly Invitae), Labcorp
Classification: Likely benign for Aortic aneurysm, familial thoracic 4. Last evaluated: 2024-05-31. Review status: criteria provided, single submitter. Criteria: Invitae Variant Classification Sherloc (09022015). Collection method: clinical testing. Allele origin: germline.

GeneDx
Classification: Likely benign. Last evaluated: 2019-06-06. Review status: criteria provided, single submitter. Criteria: GeneDx Variant Classification Process June 2021. Collection method: clinical testing. Allele origin: germline. Affected: yes.

Color Diagnostics, LLC DBA Color Health
Classification: Likely benign for Familial thoracic aortic aneurysm and aortic dissection. Last evaluated: 2018-11-27. Review status: criteria provided, single submitter. Criteria: ACMG Guidelines, 2015. Collection method: clinical testing. Allele origin: germline.

Ambry Genetics
Classification: Likely benign for Familial thoracic aortic aneurysm and aortic dissection. Last evaluated: 2018-01-24. Review status: criteria provided, single submitter. Criteria: Ambry Variant Classification Scheme 2023. Collection method: clinical testing. Allele origin: germline.

Illumina Laboratory Services, Illumina
Classification: Uncertain significance for Aortic aneurysm, familial thoracic 4. Last evaluated: 2018-01-12. Review status: criteria provided, single submitter. Criteria: ICSL Variant Classification Criteria 13 December 2019. Collection method: clinical testing. Allele origin: germline.

NM_002474.3(MYH11):c.720A>T (p.Ser240=)

Gene: MYH11 (myosin heavy chain 11; minus strand). Cytogenetic location: 16p13.11.
Variant type: single nucleotide variant.
Coding change: c.720A>T on transcript NM_002474.3 (MANE Select); coding-DNA position 720, A replaced by T.
Protein change: p.Ser240=; no amino-acid change (serine 240 retained).
Molecular consequence: synonymous variant.
Genome position (GRCh38, 1-based): chr16:15,782,391, T>A on the plus strand (A>T on the coding strand, the complement: MYH11 is on the minus strand). VCF-style: chr16-15782391-T-A. GRCh37 (hg19) VCF-style: chr16-15876248-T-A.
Other names: c.741A>T, p.Ser247= (NM_001040113.2, NM_001040114.2); c.720A>T, p.Ser240= (NM_022844.3).
Identifiers: ClinVar variation 318175 (VCV000318175.46), dbSNP rs143160789, ClinGen allele CA7922848.
Genomic context (GRCh38, chr16:15,782,391, plus strand): 5'-GCAGGAGATGACACCAAAGCTTTTCTGGAAAATCCATGTGGCTTTGCTACTTACGAATCG[T>A]GAGGAGTTGTCGTTCTTCACTGTTTTGGCGTTGCCGAAAGCCTCCAGAATCGGGTTTGCT-3'
Protein context (NP_002465.1, residues 230-250): NAKTVKNDNS[Ser240=]RFGKFIRINF